The following is an entry in ClinVar:

NM_182914.3(SYNE2):c.20039G>A (p.Arg6680Gln)

Gene: SYNE2 (spectrin repeat containing nuclear envelope protein 2; plus strand). Cytogenetic location: 14q23.2.
Variant type: single nucleotide variant.
Coding change: c.20039G>A on transcript NM_182914.3 (MANE Select); coding-DNA position 20039, G replaced by A.
Protein change: p.Arg6680Gln; replaces arginine 6680 with glutamine.
Molecular consequence: missense variant.
Genome position (GRCh38, 1-based): chr14:64,220,615, G>A. VCF-style: chr14-64220615-G-A. GRCh37 (hg19) VCF-style: chr14-64687333-G-A.
Other names: c.19970G>A, p.Arg6657Gln (NM_015180.6); c.563G>A, p.Arg188Gln (NM_182910.2); c.941G>A, p.Arg314Gln (NM_182913.4); short protein forms R6657Q, R6680Q, R314Q, R188Q.
Identifiers: ClinVar variation 880677 (VCV000880677.14), dbSNP rs761684738, ClinGen allele CA7224667.

ClinVar aggregate classification (germline): Uncertain significance. Review status: criteria provided, multiple submitters, no conflicts (2 of 4 stars). 2 submissions from 2 submitters: Uncertain significance (2). Last evaluated 2024-03-26.

Conditions:
Emery-Dreifuss muscular dystrophy 5, autosomal dominant (EDMD5). Also called: EMERY-DREIFUSS MUSCULAR DYSTROPHY 5. Identifiers: Orphanet 261, MedGen C2751805, MONDO:0013072, OMIM 612999.

Allele frequency attached by ClinVar (database versions not stated): gnomAD exomes 0.00002 and 0.00003; TOPMed 0.00006.
gnomAD v4.1: 39 of 1,613,904 alleles (0.0024%); highest among the groups gnomAD compares: Non-Finnish European, 0.003%; no homozygotes.

Submissions (2):

Labcorp Genetics (formerly Invitae), Labcorp
Classification: Uncertain significance for Emery-Dreifuss muscular dystrophy 5, autosomal dominant. Last evaluated: 2024-03-26. Review status: criteria provided, single submitter. Criteria: Invitae Variant Classification Sherloc (09022015). Collection method: clinical testing. Allele origin: germline.
Comment: This sequence change replaces arginine, which is basic and polar, with glutamine, which is neutral and polar, at codon 6680 of the SYNE2 protein (p.Arg6680Gln). This variant is present in population databases (rs761684738, gnomAD 0.006%). This variant has not been reported in the literature in individuals affected with SYNE2-related conditions. ClinVar contains an entry for this variant (Variation ID: 880677). Algorithms developed to predict the effect of missense changes on protein structure and function output the following: SIFT: "Not Available"; PolyPhen-2: "Benign"; Align-GVGD: "Not Available". The glutamine amino acid residue is found in multiple mammalian species, which suggests that this missense change does not adversely affect protein function. In summary, the available evidence is currently insufficient to determine the role of this variant in disease. Therefore, it has been classified as a Variant of Uncertain Significance.

Illumina Laboratory Services, Illumina
Classification: Uncertain significance for Emery-Dreifuss muscular dystrophy 5, autosomal dominant. Last evaluated: 2018-01-13. Review status: criteria provided, single submitter. Criteria: ICSL Variant Classification Criteria 13 December 2019. Collection method: clinical testing. Allele origin: germline.